The following is an entry in ClinVar:

ClinVar aggregate classification (germline): Pathogenic/Likely pathogenic. Review status: criteria provided, multiple submitters, no conflicts (2 of 4 stars). 12 submissions from 12 submitters: Pathogenic (7); Likely pathogenic (4). 1 of the submissions does not count toward it. Last evaluated 2026-10-12.

Conditions:
Retinitis pigmentosa (RP). Identifiers: Orphanet 791, MedGen C0035334, MeSH D012174, MONDO:0019200, OMIM 268000. Inheritance: Autosomal dominant, autosomal recessive and X linked inheritance.
Retinal dystrophy. Also called: Inherited retinal dystrophy. Identifiers: Orphanet 71862, MedGen C0854723, MeSH D058499, MONDO:0019118, HP:0000556.
Enhanced S-cone syndrome (ESCS). Identifiers: Orphanet 53540, MedGen C1849394, MONDO:0100288, MONDO:0009989.
Retinitis pigmentosa 37 (RP37). Identifiers: Orphanet 791, MedGen C1970163, MONDO:0012625, OMIM 611131.
Goldmann-Favre syndrome. Identifiers: Orphanet 53540, MedGen C0339541, MONDO:0100289.
Retinal disorder. Also called: Retinopathy; Retinopathies; Retinal Diseases; Retinal disorders. Identifiers: MedGen C0035309, MONDO:0005283, HP:0000488.
NR2E3-related disorder. Also called: NR2E3-related condition; NR2E3-related disorders. Identifiers: MedGen CN239387.

Allele frequency attached by ClinVar (database versions not stated): ESP Exome Variant Server 0.00008; TOPMed 0.00002.
gnomAD v4.1: 254 of 1,611,394 alleles (0.016%); highest among the groups gnomAD compares: Non-Finnish European, 0.021%; no homozygotes.

Submissions (12):

North West Genomic Laboratory Hub, Manchester University NHS Foundation Trust
Classification: Pathogenic for Retinal disorders. Last evaluated: 2026-10-12. Review status: criteria provided, single submitter. Criteria: ACGS Best Practice Guidelines for Variant Classification in Rare Disease 2024. Collection method: clinical testing. Allele origin: germline. Affected: yes.
Comment: PP3_Supp PS3_Supp PM2_Mod PP2_Supp PM3_VStr

PreventionGenetics, part of Exact Sciences
Classification: Pathogenic for NR2E3-related condition. Last evaluated: 2026-06-17. Review status: criteria provided, single submitter. Criteria: ACMG Guidelines, 2015. Collection method: clinical testing. Allele origin: germline.
Comment: The NR2E3 c.767C>A variant is predicted to result in the amino acid substitution p.Ala256Glu. This variant has been reported in the compound heterozygous state in individuals with autosomal recessive retinal disorders (see for examples: Sharon et al. 2003. PubMed ID: 12963616; Hull et al., 2014. PubMed ID: 25079116; Table S1, Karali et al. 2022. PubMed ID: 36460718, Table S1, Lin et al. 2024. PubMed ID: 38219857). Functional studies suggested that this variant affects protein function (Kanda et al. 2009. PubMed ID: 19898638; von Alpen et al. 2015. PubMed ID: 25703721). This variant is present in 0.0088% of alleles in individuals of Latino descent in gnomAD. This variant is interpreted as pathogenic for autosomal recessive disease.

Myriad Genetics, Inc.
Classification: Likely pathogenic for ENHANCED S-CONE SYNDROME 1. Last evaluated: 2025-01-14. Review status: criteria provided, single submitter. Criteria: Myriad Autosomal Dominant, Autosomal Recessive and X-Linked Classification Criteria (2023). Collection method: clinical testing. Allele origin: unknown.
Comment: NM_014249.2(NR2E3):c.767C>A(A256E) is a missense variant classified as likely pathogenic in the context of enhanced S-cone syndrome. A256E has been observed in cases with relevant disease (PMID: 12963616, 32679203, 25079116, 15459973). Relevant functional assessments of this variant are available in the literature (PMID: 19898638, 25703721). A256E has been observed in referenced population frequency databases. In summary, NM_014249.2(NR2E3):c.767C>A(A256E) is a missense variant that has been observed more frequently in cases with the relevant disease than in healthy populations. Please note: this variant was assessed in the context of healthy population screening.

Natera, Inc.
Classification: Pathogenic for Enhanced S cone syndrome. Last evaluated: 2024-11-25. Review status: criteria provided, single submitter. Criteria: Natera Variant Classification Schema (03/2026). Collection method: clinical testing. Allele origin: germline.
Comment: The c.767C>A variant in NR2E3 is a missense variant predicted to cause substitution of alanine to glutamic acid at amino acid 256. This variant is rare in the general population with a frequency below the threshold expected for the associated phenotype(s). This variant has been observed in one or more individuals affected with the associated recessive disease, as either homozygous or compound heterozygous with a second variant (PMID: 32679203, 12963616, 32037395). Functional studies show that this variant may disrupt protein function (PMID: 19898638). Computational prediction algorithms indicate this variant is likely to affect gene or protein function. Given the available evidence, this variant is classified as Pathogenic.

Labcorp Genetics (formerly Invitae), Labcorp
Classification: Pathogenic. Last evaluated: 2024-11-05. Review status: criteria provided, single submitter. Criteria: Invitae Variant Classification Sherloc (09022015). Collection method: clinical testing. Allele origin: germline.
Comment: This sequence change replaces alanine, which is neutral and non-polar, with glutamic acid, which is acidic and polar, at codon 256 of the NR2E3 protein (p.Ala256Glu). This variant is present in population databases (rs377257254, gnomAD 0.009%). This missense change has been observed in individuals with autosomal recessive NR2E3-related conditions (PMID: 12963616, 25079116). It has also been observed to segregate with disease in related individuals. ClinVar contains an entry for this variant (Variation ID: 438229). Invitae Evidence Modeling of protein sequence and biophysical properties (such as structural, functional, and spatial information, amino acid conservation, physicochemical variation, residue mobility, and thermodynamic stability) indicates that this missense variant is expected to disrupt NR2E3 protein function with a positive predictive value of 80%. Experimental studies have shown that this missense change affects NR2E3 function (PMID: 19898638, 25703721, 28300834). For these reasons, this variant has been classified as Pathogenic.

GeneDx
Classification: Likely pathogenic. Last evaluated: 2024-07-24. Review status: criteria provided, single submitter. Criteria: GeneDx Variant Classification Process June 2021. Collection method: clinical testing. Allele origin: germline. Affected: yes.
Comment: Identified in patients with features of an NR2E3-related retinal dystrophy in published literature (PMID: 25079116, 28041643, 15459973, 12963616); Published functional studies demonstrate impairment of protein localization, binding, and function (PMID: 19898638, 28300834); In silico analysis supports that this missense variant has a deleterious effect on protein structure/function; This variant is associated with the following publications: (PMID: 19718767, 25703721, 25097241, 28300834, 15453866, 28041643, 15459973, 29343940, 12963616, 24425859, 16225923, 32679203, 31589614, Vafaeie[preprint], 38219857, 37510230, 32037395, 36460718, 31964843, 33513943, 25079116, 34906470, 19898638)

Baylor Genetics
Classification: Pathogenic for ENHANCED S-CONE SYNDROME 1. Last evaluated: 2024-03-30. Review status: criteria provided, single submitter. Criteria: ACMG Guidelines, 2015. Collection method: clinical testing. Allele origin: unknown.

Blueprint Genetics
Classification: Pathogenic for NR2E3-related disorders. Last evaluated: 2022-05-24. Review status: criteria provided, single submitter. Criteria: ACMG Guidelines, 2015. Collection method: clinical testing. Allele origin: germline. Affected: yes. Observed: 5 variant alleles.

Ocular Genomics Institute, Massachusetts Eye and Ear
Classification: Likely pathogenic for Retinitis pigmentosa 37. Last evaluated: 2021-04-08. Review status: criteria provided, single submitter. Criteria: ACMG Guidelines, 2015. Collection method: research. Allele origin: germline. Affected: yes.
Comment: Through a review of available evidence we were able to apply the following criteria: PS3, PM2. Based on this evidence we have classified this variant as Likely Pathogenic.

Broad Center for Mendelian Genomics, Broad Institute of MIT and Harvard
Classification: Likely pathogenic for Retinitis pigmentosa. Last evaluated: 2021-04-01. Review status: criteria provided, single submitter. Criteria: ACMG Guidelines, 2015. Collection method: curation. Allele origin: germline. Inheritance: Autosomal recessive inheritance. Affected: yes.
Comment: Through a review of available evidence we were able to apply the following criteria: PS3, PM2. Based on this evidence we have classified this variant as Likely Pathogenic. If you have any questions about the classification please reach out to the Pierce Lab.

Laboratory for Molecular Medicine, Mass General Brigham Personalized Medicine
Classification: Pathogenic for Goldmann-Favre syndrome. Last evaluated: 2020-06-04. Review status: criteria provided, single submitter. Criteria: LMM Criteria. Collection method: clinical testing. Allele origin: germline. Inheritance: Autosomal recessive inheritance. Observed: 1 variant allele.
Comment: The p.Ala256Glu variant in NR2E3 has been reported in the compound heterozygous state 6 individuals with retinal disease (Sharon 2003 PMID:12963616, Hull 2014 PMID:25079116, Carss 2017 PMID: 28041643, Bryant 2018 PMID: 29343940). It has also been identified in 0.009% (3/34014) of Latino chromosomes by gnomAD and is reported in ClinVar (Variation ID:438229). Computational prediction tools and conservation analyses suggest that this variant may impact the protein, though this information is not predictive enough to determine pathogenicity. In vitro functional studies support an impact on protein function (Kanda 2009 PMID: 19898638, von Alpen 2015 PMID: 25703721). In summary, this variant meets criteria to be classified as pathogenic for autosomal recessive Enhanced S-Cone syndrome. ACMG/AMP Criteria applied: PM3_VeryStrong, PM2, PS3_Moderate, PP3.

NIHR Bioresource Rare Diseases, University of Cambridge
Classification: Likely pathogenic for Retinal dystrophy. Last evaluated: 2015-01-01. Review status: no assertion criteria provided. Collection method: research. Allele origin: unknown. Affected: yes. Observed: 1 variant allele. Not counted in ClinVar's aggregate classification.

Literature cited by the submitters: PubMed 12963616 (cited by 6 submitters); PubMed 15459973 (cited by Myriad Genetics, Inc.); PubMed 19898638 (cited by 6 submitters); PubMed 25079116 (cited by 5 submitters); PubMed 25703721 (cited by 5 submitters); PubMed 32679203 (cited by Myriad Genetics, Inc. and Natera, Inc.); PubMed 32037395 (cited by Natera, Inc.); PubMed 28300834 (cited by Labcorp Genetics (formerly Invitae), Labcorp); PubMed 25097241 (cited by 3 submitters); PubMed 29343940 (cited by 3 submitters); PubMed 34906470 (cited by Broad Center for Mendelian Genomics, Broad Institute of MIT and Harvard); PubMed 28041643 (cited by Laboratory for Molecular Medicine, Mass General Brigham Personalized Medicine and NIHR Bioresource Rare Diseases, University of Cambridge).

NM_014249.4(NR2E3):c.767C>A (p.Ala256Glu)

Gene: NR2E3 (nuclear receptor subfamily 2 group E member 3; plus strand). Cytogenetic location: 15q23.
Variant type: single nucleotide variant.
Coding change: c.767C>A on transcript NM_014249.4 (MANE Select); coding-DNA position 767, C replaced by A.
Protein change: p.Ala256Glu; replaces alanine 256 with glutamic acid.
Molecular consequence: missense variant.
Genome position (GRCh38, 1-based): chr15:71,813,408, C>A. VCF-style: chr15-71813408-C-A. GRCh37 (hg19) VCF-style: chr15-72105748-C-A.
Other names: c.767C>A, p.Ala256Glu (NM_016346.4); short protein forms A256E.
Identifiers: ClinVar variation 438229 (VCV000438229.28), dbSNP rs377257254, ClinGen allele CA7640401.
Genomic context (GRCh38, chr15:71,813,408, plus strand): 5'-GCTGTGTGTCTGCCATAACAGGCACCCCTGTCTGAGCACAGGTGATCCTGCTGGAAGAGG[C>A]GTGGAGTGAACTCTTTCTCCTCGGGGCCATCCAGTGGTCTCTGCCTCTGGACAGCTGTCC-3'
Protein context (NP_055064.1, residues 246-266): FRDQVILLEE[Ala256Glu]WSELFLLGAI